The following is an entry in ClinVar:

ClinVar aggregate classification (germline): Likely pathogenic (1 of 4 stars; one submission).

Submission:

Genetic Services Laboratory, University of Chicago
Classification: Likely pathogenic. Last evaluated: 2018-09-12. Review status: criteria provided, single submitter. Criteria: ACMG Guidelines, 2015. Collection method: clinical testing. Allele origin: germline. Affected: yes.
Comment: DNA sequence analysis of the RPS19 gene demonstrated a sequence change, c.302G>C, in exon 4 that results in an amino acid change, p.Arg101Pro. The p.Arg101Pro change affects a highly conserved amino acid residue located in a domain of the RPS19 protein that is known to be functional. The p.Arg101Pro substitution appears to be deleterious using several in-silico pathogenicity prediction tools (SIFT, PolyPhen2, Align GVGD, REVEL). This particular amino acid change does not appear to have been described in the literature in other patients with RPS19 related disorders or as a benign sequence change in the RPS19 gene, however, other pathogenic sequence changes affecting the same amino acid residue (p.Arg101His and p.Arg101Cys) have been described in several patients with Diamond-Blackfan anemia (Boria et al., 2010; Wan et al., 2016; Willig et al., 1999).

NM_001022.4(RPS19):c.302G>C (p.Arg101Pro)

Genes: RPS19 (ribosomal protein S19; plus strand), RPS19-CD79A (RPS19-CD79A readthrough; plus strand). Cytogenetic location: 19q13.2.
Variant type: single nucleotide variant.
Coding change: c.302G>C on transcript NM_001022.4 (MANE Select); coding-DNA position 302, G replaced by C.
Protein change: p.Arg101Pro; replaces arginine 101 with proline.
Molecular consequence: missense variant. On other transcripts: synonymous variant (1).
Genome position (GRCh38, 1-based): chr19:41,869,160, G>C. VCF-style: chr19-41869160-G-C. GRCh37 (hg19) VCF-style: chr19-42373230-G-C.
Other names: c.302G>C, p.Arg101Pro (NM_001321483.2, NM_001321484.2); c.315G>C, p.Pro105= (NM_001321485.2); short protein forms R101P.
Identifiers: ClinVar variation 1338436 (VCV001338436.4), dbSNP rs2123284131, ClinGen allele CA406030503.